The following is an entry in ClinVar:

NM_018026.4(PACS1):c.2250C>T (p.Gly750=)

Gene: PACS1 (phosphofurin acidic cluster sorting protein 1; plus strand). Cytogenetic location: 11q13.2.
Variant type: single nucleotide variant.
Coding change: c.2250C>T on transcript NM_018026.4 (MANE Select); coding-DNA position 2250, C replaced by T.
Protein change: p.Gly750=; no amino-acid change (glycine 750 retained).
Molecular consequence: synonymous variant.
Genome position (GRCh38, 1-based): chr11:66,235,940, C>T. VCF-style: chr11-66235940-C-T. GRCh37 (hg19) VCF-style: chr11-66003411-C-T.
Identifiers: ClinVar variation 4527743 (VCV004527743.1).

ClinVar aggregate classification (germline): Uncertain significance (1 of 4 stars; one submission).

gnomAD v4.1: 6 of 1,613,280 alleles (0.00037%); highest among the groups gnomAD compares: Non-Finnish European, 0.00051%; no homozygotes.

Submission:

GeneDx
Classification: Uncertain significance. Last evaluated: 2025-04-30. Review status: criteria provided, single submitter. Criteria: GeneDx Variant Classification Process June 2021. Collection method: clinical testing. Allele origin: germline. Affected: yes.
Comment: In silico analysis suggests this variant may impact gene splicing. In the absence of RNA/functional studies, the actual effect of this sequence change is unknown.; Has not been previously published as pathogenic or benign to our knowledge